The following is an entry in ClinVar:

NC_000008.10:g.(?_61121344)_(62626930_?)dup

Genes: ASPH (aspartate beta-hydroxylase; minus strand), CA8 (carbonic anhydrase 8 (inactive); minus strand), CHD7 (chromodomain helicase DNA binding protein 7; plus strand), CLVS1 (clavesin 1; plus strand), RAB2A (RAB2A, member RAS oncogene family; plus strand). Cytogenetic location: 8q12.1-12.3.
Variant type: Duplication.
Identifiers: ClinVar variation 1444678 (VCV001444678.7).

ClinVar aggregate classification (germline): Uncertain significance (1 of 4 stars; one submission).

Conditions:
CHARGE syndrome (CHARGE). Also called: Coloboma, heart anomaly, choanal atresia, retardation, genital and ear anomalies; CHARGE association; Hall-Hittner syndrome; Hittner Hirsch Kreh syndrome; CHARGE ASSOCIATION--COLOBOMA, HEART ANOMALY, CHOANAL ATRESIA, RETARDATION, GENITAL AND EAR ANOMALIES. Identifiers: Orphanet 138, MedGen C0265354, MONDO:0008965.

Submission:

Labcorp Genetics (formerly Invitae), Labcorp
Classification: Uncertain significance for CHARGE syndrome. Last evaluated: 2023-12-11. Review status: criteria provided, single submitter. Criteria: Invitae Variant Classification Sherloc (09022015). Collection method: clinical testing. Allele origin: germline.
Comment: A copy number gain of the genomic region encompassing the full coding sequence of the CHD7 gene has been identified. The boundaries of this event are unknown as they extend beyond the assayed region for this gene and therefore may encompass additional genes. As the precise location of this event is unknown, it may be in tandem or it may be located elsewhere in the genome. Isolated whole-gene deletions of CHD7 have not been reported in the literature. However, larger copy number events that include this gene have been reported (PMID: 18413373, 19772954, 22258531, 22902603). In summary, the available evidence is currently insufficient to determine the role of this variant in disease. Therefore, it has been classified as a Variant of Uncertain Significance.

Literature cited by the submitters: PubMed 18413373; PubMed 19772954; PubMed 22258531; PubMed 22902603.